The following is an entry in ClinVar:

ClinVar aggregate classification (germline): Benign/Likely benign. Review status: criteria provided, multiple submitters, no conflicts (2 of 4 stars). 2 submissions from 2 submitters: Benign (1); Likely benign (1). Last evaluated 2025-10-07.

Allele frequency attached by ClinVar (database versions not stated): TOPMed below 0.00001; ExAC 0.00001; gnomAD 0.00001; gnomAD exomes 0.00001.
gnomAD v4.1: 22 of 1,613,956 alleles (0.0014%); highest among the groups gnomAD compares: Non-Finnish European, 0.0016%; no homozygotes.

Submissions (2):

Labcorp Genetics (formerly Invitae), Labcorp
Classification: Benign. Last evaluated: 2025-10-07. Review status: criteria provided, single submitter. Criteria: Invitae Variant Classification Sherloc (09022015). Collection method: clinical testing. Allele origin: germline.

CeGaT Center for Human Genetics Tuebingen
Classification: Likely benign. Last evaluated: 2023-04-01. Review status: criteria provided, single submitter. Criteria: CeGaT Center For Human Genetics Tuebingen Variant Classification Criteria Version 2. Collection method: clinical testing. Allele origin: germline. Affected: yes. Observed: 1 variant allele.
Comment: SCN3A: BP4, BP7

NM_006922.4(SCN3A):c.1617C>T (p.Phe539=)

Gene: SCN3A (sodium voltage-gated channel alpha subunit 3; minus strand). Cytogenetic location: 2q24.3.
Variant type: single nucleotide variant.
Coding change: c.1617C>T on transcript NM_006922.4 (MANE Select); coding-DNA position 1617, C replaced by T.
Protein change: p.Phe539=; no amino-acid change (phenylalanine 539 retained).
Molecular consequence: synonymous variant.
Genome position (GRCh38, 1-based): chr2:165,146,793, G>A on the plus strand (C>T on the coding strand, the complement: SCN3A is on the minus strand). VCF-style: chr2-165146793-G-A. GRCh37 (hg19) VCF-style: chr2-166003303-G-A.
Other names: c.1617C>T, p.Phe539= (NM_001081676.2, NM_001081677.2).
Identifiers: ClinVar variation 2076652 (VCV002076652.31), dbSNP rs200237385, ClinGen allele CA1939123.